The following is an entry in ClinVar:

ClinVar aggregate classification (germline): Likely benign (1 of 4 stars; one submission).

Allele frequency attached by ClinVar (database versions not stated): ExAC 0.00006.
gnomAD v4.1: 116 of 1,552,550 alleles (0.0075%); highest among the groups gnomAD compares: Non-Finnish European, 0.0093%; no homozygotes.

Submission:

CeGaT Center for Human Genetics Tuebingen
Classification: Likely benign. Last evaluated: 2022-06-01. Review status: criteria provided, single submitter. Criteria: CeGaT Center For Human Genetics Tuebingen Variant Classification Criteria Version 2. Collection method: clinical testing. Allele origin: germline. Affected: yes. Observed: 1 variant allele.
Comment: E4F1: BP4, BP7

NM_004424.5(E4F1):c.1842C>A (p.Pro614=)

Gene: E4F1 (E4F transcription factor 1; plus strand). Cytogenetic location: 16p13.3.
Variant type: single nucleotide variant.
Coding change: c.1842C>A on transcript NM_004424.5 (MANE Select); coding-DNA position 1842, C replaced by A.
Protein change: p.Pro614=; no amino-acid change (proline 614 retained).
Molecular consequence: synonymous variant.
Genome position (GRCh38, 1-based): chr16:2,234,908, C>A. VCF-style: chr16-2234908-C-A. GRCh37 (hg19) VCF-style: chr16-2284909-C-A.
Other names: c.1842C>A, p.Pro614= (NM_001288776.2); c.1311C>A, p.Pro437= (NM_001288778.2).
Identifiers: ClinVar variation 2646057 (VCV002646057.24), dbSNP rs752582808, ClinGen allele CA7838538.